The following is an entry in ClinVar:

ClinVar aggregate classification (germline): Pathogenic (1 of 4 stars; one submission).

Conditions:
Neuromuscular disease caused by qualitative or quantitative defects of dysferlin. Also called: Qualitative or quantitative defects of dysferlin; Dysferlinopathy. Identifiers: Orphanet 207073, MedGen C2931687, MONDO:0016145.

Submission:

Labcorp Genetics (formerly Invitae), Labcorp
Classification: Pathogenic for Neuromuscular disease caused by qualitative or quantitative defects of dysferlin. Last evaluated: 2018-10-11. Review status: criteria provided, single submitter. Criteria: Invitae Variant Classification Sherloc (09022015). Collection method: clinical testing. Allele origin: germline.
Comment: This sequence change creates a premature translational stop signal (p.Lys623Serfs*4) in the DYSF gene. It is expected to result in an absent or disrupted protein product. This variant is not present in population databases (ExAC no frequency). This variant has not been reported in the literature in individuals with DYSF-related disease. Loss-of-function variants in DYSF are known to be pathogenic (PMID: 17698709, 20301480). For these reasons, this variant has been classified as Pathogenic.

Literature cited by the submitters: PubMed 17698709; PubMed 20301480.

NM_001130987.2(DYSF):c.1922del (p.Lys641fs)

Gene: DYSF (dysferlin; plus strand). Cytogenetic location: 2p13.2.
Variant type: Deletion.
Coding change: c.1922del on transcript NM_001130987.2 (MANE Select); coding-DNA position 1922, one base deleted (A; older notation c.1922delA).
Protein change: p.Lys641fs; shifts the reading frame from lysine 641.
Molecular consequence: frameshift variant.
Genome position (GRCh38, 1-based): chr2:71,553,126, A deleted; the last of 2 consecutive A bases (chr2:71,553,125-71,553,126); deleting either gives the same sequence. VCF-style (leftmost placement, unchanged base first): chr2-71553124-CA-C. GRCh37 (hg19) VCF-style: chr2-71780254-CA-C.
Other names: c.1871del, p.Lys624fs (NM_001130455.2, NM_001130983.2); c.1826del, p.Lys609fs (NM_001130976.2, NM_001130977.2); c.1868del, p.Lys623fs (NM_001130978.2, NM_003494.4); c.1961del, p.Lys654fs (NM_001130979.2); c.1919del, p.Lys640fs (NM_001130980.2, NM_001130981.2); c.1964del, p.Lys655fs (NM_001130982.2); c.1829del, p.Lys610fs (NM_001130984.2, NM_001130986.2); c.1922del, p.Lys641fs (NM_001130985.2); short protein forms K609fs, K640fs, K655fs, K610fs, K624fs, K623fs, K641fs, K654fs.
Identifiers: ClinVar variation 654135 (VCV000654135.6), dbSNP rs1573943246, ClinGen allele CA915942532.
Genomic context (GRCh38, chr2:71,553,124, plus strand): 5'-CATGCTGCAGGATGTGGATGATGCCATCCAGTTTGAGGTCAGCATCGGGAACTACGGGAA[CA>C]AGTTCGACATGACCTGCCTGCCGCTGGCCTCCACCACTCAGTACAGCCGTGCAGTCTTTG-3'